The following is an entry in ClinVar:

ClinVar aggregate classification (germline): Uncertain significance (1 of 4 stars; one submission).

Conditions:
Ehlers-Danlos syndrome, type 4 (EDSVASC). Also called: Ehlers-Danlos syndrome vascular type; Ehlers Danlos syndrome, ecchymotic type; Ehlers Danlos syndrome, arterial type; Ehlers Danlos syndrome, Sack-Barabas type; Ehlers-Danlos Syndrome Type IV. Identifiers: Orphanet 286, MedGen C0268338, MONDO:0017314, OMIM 130050.

Submission:

Neuberg Centre For Genomic Medicine, NCGM
Classification: Uncertain significance for Ehlers-Danlos syndrome, type 4. Review status: criteria provided, single submitter. Criteria: ACMG Guidelines, 2015. Collection method: clinical testing. Allele origin: germline. Inheritance: Autosomal dominant inheritance. Affected: yes.
Comment: The observed missense c.439G>C (p.Gly147Arg) variant in COL3A1 gene has not been reported previously as a pathogenic variant nor as a benign variant, to our knowledge. The p.Gly147Arg variant is absent in gnomAD Exomes. This variant has not been submitted to the ClinVar database. Multiple lines of computational evidence (Polyphen - Benign, SIFT - Tolerated and Mutation Taster - Polymorphism) predict no damaging effect on protein structure and function for this variant. The reference amino acid at this position on COL3A1 gene is predicted as conserved by GERP++ and PhyloP across 100 vertebrates. The amino acid Gly at position 147 is changed to a Arg changing protein sequence and it might alter its composition and physico-chemical properties. For these reasons, this variant has been classified as Variant of Uncertain Significance (VUS).

NM_000090.4(COL3A1):c.439G>C (p.Gly147Arg)

Gene: COL3A1 (collagen type III alpha 1 chain; plus strand). Cytogenetic location: 2q32.2.
Variant type: single nucleotide variant.
Coding change: c.439G>C on transcript NM_000090.4 (MANE Select); coding-DNA position 439, G replaced by C.
Protein change: p.Gly147Arg; replaces glycine 147 with arginine.
Molecular consequence: missense variant.
Genome position (GRCh38, 1-based): chr2:188,985,770, G>C. VCF-style: chr2-188985770-G-C. GRCh37 (hg19) VCF-style: chr2-189850496-G-C.
Other names: short protein forms G147R.
Identifiers: ClinVar variation 3603264 (VCV003603264.1).